The following is an entry in ClinVar:

ClinVar aggregate classification (germline): Uncertain significance (1 of 4 stars; one submission).

Conditions:
Dilated cardiomyopathy 1W (CMD1W). Identifiers: Orphanet 154, MedGen C1969639, MONDO:0012667, OMIM 611407.

Submission:

Labcorp Genetics (formerly Invitae), Labcorp
Classification: Uncertain significance for Dilated cardiomyopathy 1W. Last evaluated: 2022-03-19. Review status: criteria provided, single submitter. Criteria: Invitae Variant Classification Sherloc (09022015). Collection method: clinical testing. Allele origin: germline.
Comment: In summary, the available evidence is currently insufficient to determine the role of this variant in disease. Therefore, it has been classified as a Variant of Uncertain Significance. Algorithms developed to predict the effect of missense changes on protein structure and function are either unavailable or do not agree on the potential impact of this missense change (SIFT: "Not Available"; PolyPhen-2: "Possibly Damaging"; Align-GVGD: "Not Available"). This sequence change replaces valine, which is neutral and non-polar, with aspartic acid, which is acidic and polar, at codon 158 of the VCL protein (p.Val158Asp). This variant is not present in population databases (gnomAD no frequency). This variant has not been reported in the literature in individuals affected with VCL-related conditions.

NM_014000.3(VCL):c.473T>A (p.Val158Asp)

Gene: VCL (vinculin; plus strand). Cytogenetic location: 10q22.2.
Variant type: single nucleotide variant.
Coding change: c.473T>A on transcript NM_014000.3 (MANE Select); coding-DNA position 473, T replaced by A.
Protein change: p.Val158Asp; replaces valine 158 with aspartic acid.
Molecular consequence: missense variant.
Genome position (GRCh38, 1-based): chr10:74,071,057, T>A. VCF-style: chr10-74071057-T-A. GRCh37 (hg19) VCF-style: chr10-75830815-T-A.
Other names: c.473T>A, p.Val158Asp (NM_003373.4); short protein forms V158D.
Identifiers: ClinVar variation 1359145 (VCV001359145.8), dbSNP rs1591686988, ClinGen allele CA377266724.